The following is an entry in ClinVar:

NM_006231.4(POLE):c.1784A>G (p.Asn595Ser)

Gene: POLE (DNA polymerase epsilon, catalytic subunit; minus strand). Cytogenetic location: 12q24.33.
Variant type: single nucleotide variant.
Coding change: c.1784A>G on transcript NM_006231.4 (MANE Select); coding-DNA position 1784, A replaced by G.
Protein change: p.Asn595Ser; replaces asparagine 595 with serine.
Molecular consequence: missense variant.
Genome position (GRCh38, 1-based): chr12:132,672,225, T>C on the plus strand (A>G on the coding strand, the complement: POLE is on the minus strand). VCF-style: chr12-132672225-T-C. GRCh37 (hg19) VCF-style: chr12-133248811-T-C.
Other names: short protein forms N595S.
Identifiers: ClinVar variation 540799 (VCV000540799.15), dbSNP rs969500436, ClinGen allele CA246292872.

ClinVar aggregate classification (germline): Uncertain significance. Review status: criteria provided, multiple submitters, no conflicts (2 of 4 stars). 5 submissions from 5 submitters: Uncertain significance (5). Last evaluated 2025-07-29.

Conditions:
Colorectal cancer, susceptibility to, 12 (CRCS12). Also called: COLORECTAL CANCER, SUSCEPTIBILITY TO, ON CHROMOSOME 12q24. Identifiers: Orphanet 220460, MedGen C3554460, MONDO:0014038, OMIM 615083.
Facial dysmorphism-immunodeficiency-livedo-short stature syndrome. Also called: Facial dysmorphism, immunodeficiency, livedo, and short stature; FILS syndrome. Identifiers: Orphanet 352712, MedGen C3554576, MONDO:0014058, OMIM 615139.
Hereditary cancer-predisposing syndrome. Also called: Neoplastic Syndromes, Hereditary; Tumor predisposition; Hereditary Cancer Syndrome; Hereditary neoplastic syndrome. Identifiers: Orphanet 140162, MedGen C0027672, MeSH D009386, MONDO:0015356.

Allele frequency attached by ClinVar (database versions not stated): gnomAD exomes below 0.00001.
gnomAD v4.1: 4 of 1,613,064 alleles (0.00025%); highest among the groups gnomAD compares: Non-Finnish European, 0.00034%; no homozygotes.

Submissions (5):

Labcorp Genetics (formerly Invitae), Labcorp
Classification: Uncertain significance. Last evaluated: 2025-07-29. Review status: criteria provided, single submitter. Criteria: Invitae Variant Classification Sherloc (09022015). Collection method: clinical testing. Allele origin: germline.
Comment: This sequence change replaces asparagine, which is neutral and polar, with serine, which is neutral and polar, at codon 595 of the POLE protein (p.Asn595Ser). This variant is present in population databases (no rsID available, gnomAD 0.0009%). This missense change has been observed in individual(s) with a personal and/or family history of cancer (PMID: 34326862). ClinVar contains an entry for this variant (Variation ID: 540799). Invitae Evidence Modeling of protein sequence and biophysical properties (such as structural, functional, and spatial information, amino acid conservation, physicochemical variation, residue mobility, and thermodynamic stability) indicates that this missense variant is expected to disrupt POLE protein function with a positive predictive value of 80%. In summary, the available evidence is currently insufficient to determine the role of this variant in disease. Therefore, it has been classified as a Variant of Uncertain Significance.

Ambry Genetics
Classification: Uncertain significance for Hereditary cancer-predisposing syndrome. Last evaluated: 2025-03-27. Review status: criteria provided, single submitter. Criteria: Ambry Variant Classification Scheme 2023. Collection method: clinical testing. Allele origin: germline.
Comment: The p.N595S variant (also known as c.1784A>G), located in coding exon 16 of the POLE gene, results from an A to G substitution at nucleotide position 1784. The asparagine at codon 595 is replaced by serine, an amino acid with highly similar properties. This amino acid position is highly conserved in available vertebrate species. In addition, this alteration is predicted to be tolerated by in silico analysis. Based on the available evidence, the clinical significance of this variant remains unclear.

Center for Genomic Medicine, Rigshospitalet, Copenhagen University Hospital
Classification: Uncertain significance. Last evaluated: 2025-03-04. Review status: criteria provided, single submitter. Criteria: ACMG Guidelines, 2015. Collection method: clinical testing. Allele origin: germline.

Blueprint Genetics
Classification: Uncertain significance. Last evaluated: 2022-12-06. Review status: criteria provided, single submitter. Criteria: ACMG Guidelines, 2015. Collection method: clinical testing. Allele origin: germline.

Fulgent Genetics
Classification: Uncertain significance for Colorectal cancer, susceptibility to, 12; Facial dysmorphism-immunodeficiency-livedo-short stature syndrome. Last evaluated: 2018-10-31. Review status: criteria provided, single submitter. Criteria: ACMG Guidelines, 2015. Collection method: clinical testing. Allele origin: unknown.

Literature cited by the submitters: PubMed 34326862 (cited by Labcorp Genetics (formerly Invitae), Labcorp).